The following is an entry in ClinVar:

ClinVar aggregate classification (germline): Uncertain significance (1 of 4 stars; one submission).

Allele frequency attached by ClinVar (database versions not stated): gnomAD exomes below 0.00001.
gnomAD v4.1: 1 of 1,612,856 alleles (0.000062%); highest among the groups gnomAD compares: Non-Finnish European, 0.000085%; no homozygotes.

Submission:

Labcorp Genetics (formerly Invitae), Labcorp
Classification: Uncertain significance. Last evaluated: 2021-09-24. Review status: criteria provided, single submitter. Criteria: Invitae Variant Classification Sherloc (09022015). Collection method: clinical testing. Allele origin: germline.
Comment: This sequence change disrupts the translational stop signal of the PCDH15 mRNA. It is expected to extend the length of the PCDH15 protein by 46 additional amino acid residues. This variant is not present in population databases (ExAC no frequency). This variant has not been reported in the literature in individuals with PCDH15-related conditions. In summary, the available evidence is currently insufficient to determine the role of this variant in disease. Therefore, it has been classified as a Variant of Uncertain Significance.

NM_033056.4(PCDH15):c.5866T>G (p.Ter1956Glu)

Gene: PCDH15 (protocadherin related 15; minus strand). Cytogenetic location: 10q21.1.
Variant type: single nucleotide variant.
Coding change: c.5866T>G on transcript NM_033056.4 (MANE Plus Clinical); coding-DNA position 5866, T replaced by G.
Protein change: p.Ter1956Glu.
Molecular consequence: stop lost. On other transcripts: intron variant (8).
Genome position (GRCh38, 1-based): chr10:53,821,860, A>C on the plus strand (T>G on the coding strand, the complement: PCDH15 is on the minus strand). VCF-style: chr10-53821860-A-C. GRCh37 (hg19) VCF-style: chr10-55581620-A-C.
Other names: c.5887T>G, p.Ter1963Glu (NM_001142763.2); c.5872T>G, p.Ter1958Glu (NM_001142764.2); c.5659T>G, p.Ter1887Glu (NM_001142765.2); c.5857T>G, p.Ter1953Glu (NM_001142766.2); c.5746T>G, p.Ter1916Glu (NM_001142767.2); c.5806T>G, p.Ter1936Glu (NM_001142768.2); c.5797T>G, p.Ter1933Glu (NM_001142773.2); c.5800T>G, p.Ter1934Glu (NM_001354404.2); and 7 more.
Identifiers: ClinVar variation 1358551 (VCV001358551.5), dbSNP rs2132479377, ClinGen allele CA376524040.